The following is an entry in ClinVar:

ClinVar aggregate classification (germline): Uncertain significance (1 of 4 stars; one submission).

Conditions:
MAN2B1-related disorder. Also called: MAN2B1-related condition.

gnomAD v4.1: 2 of 1,614,254 alleles (0.00012%); highest among the groups gnomAD compares: Admixed American, 0.0033%; no homozygotes.

Submission:

PreventionGenetics, part of Exact Sciences
Classification: Uncertain significance for MAN2B1-related condition. Last evaluated: 2025-12-16. Review status: criteria provided, single submitter. Criteria: ACMG Guidelines, 2015. Collection method: clinical testing. Allele origin: germline.
Comment: The MAN2B1 c.2775G>T variant is predicted to result in the amino acid substitution p.Glu925Asp. To our knowledge, this variant has not been reported in the literature. This variant is reported in 0.0058% of alleles in individuals of Latino descent in gnomAD. At this time, the clinical significance of this variant is uncertain due to the absence of conclusive functional and genetic evidence.

NM_000528.4(MAN2B1):c.2775G>T (p.Glu925Asp)

Gene: MAN2B1 (mannosidase alpha class 2B member 1; minus strand). Cytogenetic location: 19p13.13.
Variant type: single nucleotide variant.
Coding change: c.2775G>T on transcript NM_000528.4 (MANE Select); coding-DNA position 2775, G replaced by T.
Protein change: p.Glu925Asp; replaces glutamic acid 925 with aspartic acid.
Molecular consequence: missense variant.
Genome position (GRCh38, 1-based): chr19:12,647,488, C>A on the plus strand (G>T on the coding strand, the complement: MAN2B1 is on the minus strand). VCF-style: chr19-12647488-C-A. GRCh37 (hg19) VCF-style: chr19-12758302-C-A.
Other names: c.2772G>T, p.Glu924Asp (NM_001173498.2); c.2778G>T, p.Glu926Asp (NM_001440570.1); short protein forms E925D, E924D, E926D.
Identifiers: ClinVar variation 4989561 (VCV004989561.1).
Genomic context (GRCh38, chr19:12,647,488, plus strand): 5'-TTTTGCCCTTCTCACCCTCAAGTTCAAGGTAACGGGGGCGCTCAGGTTACGTCCGGAATC[C>A]TCTCCTACGGCAAACTGGTGCTCCAAGCGCAGCAGCACCATTTCGGGGCCCCAGCTGGCC-3'
Protein context (NP_000519.2, residues 915-935): LRLEHQFAVG[Glu925Asp]DSGRNLSAPV